The following is an entry in ClinVar:

NM_001372044.2(SHANK3):c.3978_4001dup (p.Pro1334_Gly1335insProSerProArgAlaGlnProPro)

Gene: SHANK3 (SH3 and multiple ankyrin repeat domains 3; plus strand). Cytogenetic location: 22q13.33.
Variant type: Duplication.
Coding change: c.3978_4001dup on transcript NM_001372044.2 (MANE Select); coding-DNA positions 3978 to 4001, 24 bases duplicated (GCCCAGCCCCCGGGCCCAGCCCCC).
Protein change: p.Pro1334_Gly1335insProSerProArgAlaGlnProPro.
Genome position (GRCh38, 1-based): chr22:50,721,586-50,721,609, GCCCAGCCCCCGGGCCCAGCCCCC duplicated. VCF-style (leftmost placement, unchanged base first): chr22-50721585-T-TGCCCAGCCCCCGGGCCCAGCCCCC. GRCh37 (hg19) VCF-style: chr22-51160013-T-TGCCCAGCCCCCGGGCCCAGCCCCC.
Other names: c.3753_3776dup (NM_033517.1).
Identifiers: ClinVar variation 3373024 (VCV003373024.1).

ClinVar aggregate classification (germline): Uncertain significance (1 of 4 stars; one submission).

Submission:

GeneDx
Classification: Uncertain significance. Last evaluated: 2024-04-24. Review status: criteria provided, single submitter. Criteria: GeneDx Variant Classification Process June 2021. Collection method: clinical testing. Allele origin: germline. Affected: yes.
Comment: Not observed at significant frequency in large population cohorts (gnomAD); In-frame duplication of 8 amino acids in a non-repeat region; Has not been previously published as pathogenic or benign to our knowledge